The following is an entry in ClinVar:

NC_000023.11:g.(?_2934812)_(2960420_?)del

Gene: ARSL (arylsulfatase L; minus strand). Cytogenetic location: Xp22.33.
Variant type: Deletion.
Identifiers: ClinVar variation 657917 (VCV000657917.1).

ClinVar aggregate classification (germline): Pathogenic (1 of 4 stars; one submission).

Conditions:
X-linked chondrodysplasia punctata 1 (CDPX1). Also called: CHONDRODYSPLASIA PUNCTATA, BRACHYTELEPHALANGIC; Chondrodysplasia punctata, X-linked recessive. Identifiers: Orphanet 79345, MedGen C3669395, MONDO:0010555, OMIM 302950.

Submission:

Labcorp Genetics (formerly Invitae), Labcorp
Classification: Pathogenic for Chondrodysplasia punctata 1, X-linked recessive. Last evaluated: 2018-08-25. Review status: criteria provided, single submitter. Criteria: Invitae Variant Classification Sherloc (09022015). Collection method: clinical testing. Allele origin: germline.
Comment: A gross deletion of the genomic region encompassing the full coding sequence of the ARSE gene has been identified. The boundaries of this event are unknown as the deletion extends beyond the assayed region for this gene and therefore may encompass additional genes. Similar whole-gene deletions of ARSE have been reported in individuals affected with chondrodysplasia punctata (PMID: 23470839, 12567415). Loss-of-function variants in ARSE are known to be pathogenic (PMID: 9497243, 23470839). For these reasons, this variant has been classified as Pathogenic.

Literature cited by the submitters: PubMed 23470839; PubMed 12567415.